The following is an entry in ClinVar:

NM_001083619.3(GRIA2):c.2389G>T (p.Gly797Trp)

Gene: GRIA2 (glutamate ionotropic receptor AMPA type subunit 2; plus strand). Cytogenetic location: 4q32.1.
Variant type: single nucleotide variant.
Coding change: c.2389G>T on transcript NM_001083619.3 (MANE Select); coding-DNA position 2389, G replaced by T.
Protein change: p.Gly797Trp; replaces glycine 797 with tryptophan.
Molecular consequence: missense variant. On other transcripts: intron variant (3).
Genome position (GRCh38, 1-based): chr4:157,361,107, G>T. VCF-style: chr4-157361107-G-T. GRCh37 (hg19) VCF-style: chr4-158282259-G-T.
Other names: c.2248G>T, p.Gly750Trp (NM_001379000.3); c.2151-431G>T (NM_001379001.3, NM_001083620.3); c.2292-431G>T (NM_000826.6); short protein forms G750W, G797W.
Identifiers: ClinVar variation 4855687 (VCV004855687.1).

ClinVar aggregate classification (germline): Uncertain significance (1 of 4 stars; one submission).

Conditions:
Neurodevelopmental disorder with language impairment and behavioral abnormalities. Also called: GRIA2-related neurodevelopmental disorder. Identifiers: MedGen C5394502, MONDO:0030060, OMIM 618917.

gnomAD v4.1: 1 of 1,611,750 alleles (0.000062%); highest among the groups gnomAD compares: Non-Finnish European, 0.000085%; no homozygotes.

Submission:

3billion
Classification: Uncertain significance for Neurodevelopmental disorder with language impairment and behavioral abnormalities. Last evaluated: 2025-09-29. Review status: criteria provided, single submitter. Criteria: ACMG Guidelines, 2015. Collection method: clinical testing. Allele origin: germline. Affected: yes.
Comment: The variant is observed at an extremely low frequency in the gnomAD v4.1.0 dataset (total allele frequency: <0.001%). Predicted Consequence/Location: Missense variant. Missense changes are a common disease-causing mechanism. In silico tool predictions suggest damaging effect of the variant on gene or gene product [3Cnet: 0.96 (> 0.75, sensitivity 0.96 and precision 0.92)]. Therefore, this variant is classified as VUS according to the recommendation of ACMG/AMP guideline.